The following is an entry in ClinVar:

ClinVar aggregate classification (germline): Uncertain significance. Review status: criteria provided, multiple submitters, no conflicts (2 of 4 stars). 2 submissions from 2 submitters: Uncertain significance (2). Last evaluated 2023-01-01.

Submissions (2):

CeGaT Center for Human Genetics Tuebingen
Classification: Uncertain significance. Last evaluated: 2023-01-01. Review status: criteria provided, single submitter. Criteria: CeGaT Center For Human Genetics Tuebingen Variant Classification Criteria Version 2. Collection method: clinical testing. Allele origin: germline. Affected: yes. Observed: 1 variant allele.
Comment: CREBBP: PM2, PM5:Supporting, PP2, PP3

Blueprint Genetics
Classification: Uncertain significance. Last evaluated: 2019-10-24. Review status: criteria provided, single submitter. Criteria: ACMG Guidelines, 2015. Collection method: clinical testing. Allele origin: germline.

NM_004380.3(CREBBP):c.4423C>T (p.Pro1475Ser)

Gene: CREBBP (CREB binding lysine acetyltransferase; minus strand). Cytogenetic location: 16p13.3.
Variant type: single nucleotide variant.
Coding change: c.4423C>T on transcript NM_004380.3 (MANE Select); coding-DNA position 4423, C replaced by T.
Protein change: p.Pro1475Ser; replaces proline 1475 with serine.
Molecular consequence: missense variant.
Genome position (GRCh38, 1-based): chr16:3,736,787, G>A on the plus strand (C>T on the coding strand, the complement: CREBBP is on the minus strand). VCF-style: chr16-3736787-G-A. GRCh37 (hg19) VCF-style: chr16-3786788-G-A.
Other names: c.4309C>T, p.Pro1437Ser (NM_001079846.1); short protein forms P1437S, P1475S.
Identifiers: ClinVar variation 2498648 (VCV002498648.29), dbSNP rs2151329999, ClinGen allele CA394563993.